The following is an entry in ClinVar:

ClinVar aggregate classification (germline): Uncertain significance (1 of 4 stars; one submission).

Conditions:
Fanconi anemia (FA). Also called: Fanconi's anemia. Identifiers: Orphanet 84, MedGen C0015625, MeSH D005199, MONDO:0019391.

Allele frequency attached by ClinVar (database versions not stated): TOPMed below 0.00001; ExAC 0.00001; gnomAD exomes 0.00001 and 0.00002.
gnomAD v4.1: 5 of 1,614,128 alleles (0.00031%); highest among the groups gnomAD compares: Admixed American, 0.0083%; no homozygotes.

Submission:

Labcorp Genetics (formerly Invitae), Labcorp
Classification: Uncertain significance for Fanconi anemia. Last evaluated: 2025-06-09. Review status: criteria provided, single submitter. Criteria: Invitae Variant Classification Sherloc (09022015). Collection method: clinical testing. Allele origin: germline.
Comment: This sequence change falls in intron 21 of the FANCI gene. It does not directly change the encoded amino acid sequence of the FANCI protein. It affects a nucleotide within the consensus splice site. This variant is present in population databases (rs757908899, gnomAD 0.01%). This variant has not been reported in the literature in individuals affected with FANCI-related conditions. ClinVar contains an entry for this variant (Variation ID: 1038065). Variants that disrupt the consensus splice site are a relatively common cause of aberrant splicing (PMID: 17576681, 9536098). Algorithms developed to predict the effect of sequence changes on RNA splicing suggest that this variant is not likely to affect RNA splicing. In summary, the available evidence is currently insufficient to determine the role of this variant in disease. Therefore, it has been classified as a Variant of Uncertain Significance.

Literature cited by the submitters: PubMed 17576681; PubMed 9536098.

NM_001113378.2(FANCI):c.2170-3T>C

Gene: FANCI (FA complementation group I; plus strand). Cytogenetic location: 15q26.1.
Variant type: single nucleotide variant.
Coding change: c.2170-3T>C on transcript NM_001113378.2 (MANE Select); 3 bases into the intron before coding-DNA position 2170, T replaced by C.
Molecular consequence: intron variant.
Genome position (GRCh38, 1-based): chr15:89,292,939, T>C. VCF-style: chr15-89292939-T-C. GRCh37 (hg19) VCF-style: chr15-89836170-T-C.
Other names: c.2170-3T>C (NM_018193.3, NM_001376911.1); c.1891-3T>C (NM_001376910.1).
Identifiers: ClinVar variation 1038065 (VCV001038065.6), dbSNP rs757908899, ClinGen allele CA7723306.